The following is an entry in ClinVar:

ClinVar aggregate classification (germline): Uncertain significance. Review status: criteria provided, multiple submitters, no conflicts (2 of 4 stars). 2 submissions from 2 submitters: Uncertain significance (2). Last evaluated 2022-11-03.

Conditions:
Inborn genetic diseases. Identifiers: MedGen C0950123, MeSH D030342.
Lymphoproliferative syndrome 1 (LPFS1). Identifiers: Orphanet 238505, Orphanet 538963, MedGen C3552634, MONDO:0013081, OMIM 613011.

Allele frequency attached by ClinVar (database versions not stated): gnomAD 0.00001; TOPMed 0.00001.
gnomAD v4.1: 71 of 1,613,998 alleles (0.0044%); highest among the groups gnomAD compares: Non-Finnish European, 0.0059%; no homozygotes.

Submissions (2):

Ambry Genetics
Classification: Uncertain significance for Inborn genetic diseases. Last evaluated: 2022-11-03. Review status: criteria provided, single submitter. Criteria: Ambry Variant Classification Scheme 2023. Collection method: clinical testing. Allele origin: germline.

Labcorp Genetics (formerly Invitae), Labcorp
Classification: Uncertain significance for Lymphoproliferative syndrome 1. Last evaluated: 2022-07-25. Review status: criteria provided, single submitter. Criteria: Invitae Variant Classification Sherloc (09022015). Collection method: clinical testing. Allele origin: germline.
Comment: This sequence change replaces glutamic acid, which is acidic and polar, with glutamine, which is neutral and polar, at codon 196 of the ITK protein (p.Glu196Gln). This variant is not present in population databases (gnomAD no frequency). This variant has not been reported in the literature in individuals affected with ITK-related conditions. ClinVar contains an entry for this variant (Variation ID: 1499869). Advanced modeling of protein sequence and biophysical properties (such as structural, functional, and spatial information, amino acid conservation, physicochemical variation, residue mobility, and thermodynamic stability) performed at Invitae indicates that this missense variant is not expected to disrupt ITK protein function. In summary, the available evidence is currently insufficient to determine the role of this variant in disease. Therefore, it has been classified as a Variant of Uncertain Significance.

NM_005546.4(ITK):c.586G>C (p.Glu196Gln)

Gene: ITK (IL2 inducible T cell kinase; plus strand). Cytogenetic location: 5q33.3.
Variant type: single nucleotide variant.
Coding change: c.586G>C on transcript NM_005546.4 (MANE Select); coding-DNA position 586, G replaced by C.
Protein change: p.Glu196Gln; replaces glutamic acid 196 with glutamine.
Molecular consequence: missense variant.
Genome position (GRCh38, 1-based): chr5:157,222,953, G>C. VCF-style: chr5-157222953-G-C. GRCh37 (hg19) VCF-style: chr5-156649963-G-C.
Other names: c.586G>C (NM_005546.3); short protein forms E196Q.
Identifiers: ClinVar variation 1499869 (VCV001499869.6), dbSNP rs777670016, ClinGen allele CA361953153.
Genomic context (GRCh38, chr5:157,222,953, plus strand): 5'-GTCATTGCCTTATATGACTACCAAACCAATGATCCTCAGGAACTCGCACTGCGGCGCAAC[G>C]AAGAGTACTGCCTGCTGGACAGTTCTGAGATTCACTGGTGGAGAGTCCAGGACAGGAATG-3'
Protein context (NP_005537.3, residues 186-206): DPQELALRRN[Glu196Gln]EYCLLDSSEI